The following is an entry in ClinVar:

NM_000108.5(DLD):c.*28G>T

Gene: DLD (dihydrolipoamide dehydrogenase; plus strand). Cytogenetic location: 7q31.1.
Variant type: single nucleotide variant.
Coding change: c.*28G>T on transcript NM_000108.5 (MANE Select); 28 bases downstream of the stop codon, G replaced by T.
Molecular consequence: 3 prime UTR variant.
Genome position (GRCh38, 1-based): chr7:107,919,287, G>T. VCF-style: chr7-107919287-G-T. GRCh37 (hg19) VCF-style: chr7-107559732-G-T.
Other names: NC_000007.13:g.107559732G>T; c.*28G>T (NM_001289750.1, NM_001289751.1, NM_001289752.1).
Identifiers: ClinVar variation 358573 (VCV000358573.11), dbSNP rs17154615, ClinGen allele CA4434749.

ClinVar aggregate classification (germline): Benign. Review status: criteria provided, multiple submitters, no conflicts (2 of 4 stars). 6 submissions from 4 submitters: Benign (6). Last evaluated 2021-07-01.

Conditions:
Leigh syndrome (NULS). Also called: Subacute necrotizing encephalopathy; Necrotizing encephalopathy infantile subacute of Leigh; Leigh's syndrome; Leigh Disease; Leigh's necrotizing encephalopathy; Leigh's disease. Identifiers: Orphanet 506, MedGen C2931891, MONDO:0009723, OMIM 256000.
Pyruvate dehydrogenase complex deficiency (PDHC). Also called: Pyruvate dehydrogenase deficiency; Ataxia with lactic acidosis 1; PYRUVATE DECARBOXYLASE DEFICIENCY; PDH DEFICIENCY; Pyruvate Dehydrogenase Complex Deficiency Disease. Identifiers: Orphanet 765, Orphanet 79243, MedGen C0034345, MONDO:0019169.
Pyruvate dehydrogenase E3 deficiency (DLDD). Also called: Lipoamide dehydrogenase deficiency, lactic acidosis due to; Lipoamide dehydrogenase deficiency; Dihydrolipoamide Dehydrogenase (E3) Deficiency; MAPLE SYRUP URINE DISEASE, TYPE III; DLD DEFICIENCY; E3 DEFICIENCY. Identifiers: Orphanet 2394, Orphanet 765, MedGen C5574660, MONDO:0009529, OMIM 246900.

Allele frequency attached by ClinVar (database versions not stated): ESP Exome Variant Server 0.08080; gnomAD exomes 0.13451 and 0.16053; ExAC 0.15972; 1000 Genomes Project 30x 0.19379; 1000 Genomes Project 0.20028; gnomAD 0.10964 and 0.11990; TOPMed 0.11291.
gnomAD v4.1: 208,351 of 1,561,314 alleles (13%); highest among the groups gnomAD compares: East Asian, 50%; 18,390 homozygotes.

Submissions (11):

Genome-Nilou Lab
Classification: Benign for Pyruvate dehydrogenase E3 deficiency. Last evaluated: 2021-07-01. Review status: criteria provided, single submitter. Criteria: ACMG Guidelines, 2015. Collection method: clinical testing. Allele origin: germline. Affected: no.

Mayo Clinic Laboratories, Mayo Clinic
Classification: Benign. Last evaluated: 2021-02-24. Review status: criteria provided, single submitter. Criteria: ACMG Guidelines, 2015. Collection method: clinical testing. Allele origin: germline. Observed: 13 variant alleles.

Illumina Laboratory Services, Illumina
Classification: Benign for Pyruvate dehydrogenase complex deficiency. Last evaluated: 2018-01-12. Review status: criteria provided, single submitter. Criteria: ICSL Variant Classification Criteria 13 December 2019. Collection method: clinical testing. Allele origin: germline.
Comment: This variant was observed in the ICSL laboratory as part of a predisposition screen in an ostensibly healthy population. It had not been previously curated by ICSL or reported in the Human Gene Mutation Database (HGMD: prior to June 1st, 2018), and was therefore a candidate for classification through an automated scoring system. Utilizing variant allele frequency, disease prevalence and penetrance estimates, and inheritance mode, an automated score was calculated to assess if this variant is too frequent to cause the disease. Based on the score and internal cut-off values, a variant classified as benign is not then subjected to further curation. The score for this variant resulted in a classification of benign for this disease.

Illumina Laboratory Services, Illumina
Classification: Benign for Leigh syndrome. Last evaluated: 2018-01-12. Review status: criteria provided, single submitter. Criteria: ICSL Variant Classification Criteria 13 December 2019. Collection method: clinical testing. Allele origin: germline.
Comment: the same text as in the submission from Illumina Laboratory Services, Illumina above.

Illumina Laboratory Services, Illumina
Classification: Benign for Pyruvate dehydrogenase E3 deficiency. Last evaluated: 2018-01-12. Review status: criteria provided, single submitter. Criteria: ICSL Variant Classification Criteria 13 December 2019. Collection method: clinical testing. Allele origin: germline.
Comment: the same text as in the submission from Illumina Laboratory Services, Illumina above.

Breakthrough Genomics
Classification: Benign. Review status: criteria provided, single submitter. Criteria: ACMG Guidelines, 2015. Collection method: not provided. Allele origin: germline. Inheritance: Autosomal recessive inheritance. Affected: yes.

Dr. Peter K. Rogan Lab, Western University
No classification provided (evidence only). Condition: Melanoma. Review status: no classification provided. Collection method: in vitro. Allele origin: not applicable. Functional consequence: retained intron. Not counted in ClinVar's aggregate classification.

Dr. Peter K. Rogan Lab, Western University
No classification provided (evidence only). Condition: Melanoma. Review status: no classification provided. Collection method: in vitro. Allele origin: not applicable. Functional consequence: retained intron. Not counted in ClinVar's aggregate classification.

Dr. Peter K. Rogan Lab, Western University
No classification provided (evidence only). Condition: Nonpapillary renal cell carcinoma. Review status: no classification provided. Collection method: in vitro. Allele origin: not applicable. Functional consequence: retained intron. Not counted in ClinVar's aggregate classification.

Dr. Peter K. Rogan Lab, Western University
No classification provided (evidence only). Condition: Nonpapillary renal cell carcinoma. Review status: no classification provided. Collection method: in vitro. Allele origin: not applicable. Functional consequence: retained intron. Not counted in ClinVar's aggregate classification.

Dr. Peter K. Rogan Lab, Western University
No classification provided (evidence only). Condition: Uveal melanoma. Review status: no classification provided. Collection method: in vitro. Allele origin: not applicable. Functional consequence: retained intron. Not counted in ClinVar's aggregate classification.